The following is an entry in ClinVar:

ClinVar aggregate classification (germline): Uncertain significance. Review status: criteria provided, multiple submitters, no conflicts (2 of 4 stars). 3 submissions from 3 submitters: Uncertain significance (3). Last evaluated 2025-02-07.

Conditions:
Inborn genetic diseases. Identifiers: MedGen C0950123, MeSH D030342.
Epidermolysis bullosa simplex with nail dystrophy (EBS5D). Identifiers: MedGen C4225309, MONDO:0014661, OMIM 616487.
Epidermolysis bullosa simplex 5B, with muscular dystrophy (EBS5B). Also called: EPIDERMOLYSIS BULLOSA SIMPLEX AND LIMB-GIRDLE MUSCULAR DYSTROPHY; Epidermolysis bullosa simplex with muscular dystrophy. Identifiers: Orphanet 257, MedGen C2931072, MONDO:0009181, OMIM 226670.
Epidermolysis bullosa simplex, Ogna type (EBS5A). Also called: EPIDERMOLYSIS BULLOSA SIMPLEX 5A, OGNA TYPE; Pidermolysis bullosa simplex 5A, Ogna type. Identifiers: Orphanet 79401, MedGen C0432317, MONDO:0007555, OMIM 131950.
Epidermolysis bullosa simplex 5C, with pyloric atresia (EBS5C). Also called: PLEC1-Related Epidermolysis Bullosa with Pyloric Atresia; PLEC-Related Epidermolysis Bullosa with Pyloric Atresia; Epidermolysis bullosa simplex with pyloric atresia. Identifiers: Orphanet 158684, MedGen C2677349, MONDO:0012807, OMIM 612138.
Autosomal recessive limb-girdle muscular dystrophy type 2Q (LGMDR17). Also called: MUSCULAR DYSTROPHY, LIMB-GIRDLE, AUTOSOMAL RECESSIVE 17. Identifiers: Orphanet 254361, MedGen C3150989, MONDO:0013390, OMIM 613723.

Allele frequency attached by ClinVar (database versions not stated): TOPMed 0.00002; gnomAD 0.00003 and 0.00004; gnomAD exomes 0.00003 and 0.00004; ExAC 0.00004.
gnomAD v4.1: 62 of 1,597,762 alleles (0.0039%); highest among the groups gnomAD compares: Non-Finnish European, 0.0051%; no homozygotes.

Submissions (3):

Labcorp Genetics (formerly Invitae), Labcorp
Classification: Uncertain significance for Autosomal recessive limb-girdle muscular dystrophy type 2Q; Epidermolysis bullosa simplex, Ogna type; Epidermolysis bullosa simplex with nail dystrophy; Epidermolysis bullosa simplex 5C, with pyloric atresia; Epidermolysis bullosa simplex 5B, with muscular dystrophy. Last evaluated: 2025-02-07. Review status: criteria provided, single submitter. Criteria: Invitae Variant Classification Sherloc (09022015). Collection method: clinical testing. Allele origin: germline.
Comment: This sequence change replaces glutamine, which is neutral and polar, with glutamic acid, which is acidic and polar, at codon 2153 of the PLEC protein (p.Gln2153Glu). This variant is present in population databases (rs782582930, gnomAD 0.006%). This variant has not been reported in the literature in individuals affected with PLEC-related conditions. ClinVar contains an entry for this variant (Variation ID: 934145). An algorithm developed to predict the effect of missense changes on protein structure and function (PolyPhen-2) suggests that this variant is likely to be tolerated. In summary, the available evidence is currently insufficient to determine the role of this variant in disease. Therefore, it has been classified as a Variant of Uncertain Significance.

Revvity Omics, Revvity
Classification: Uncertain significance. Last evaluated: 2024-07-11. Review status: criteria provided, single submitter. Criteria: ACMG Guidelines, 2015. Collection method: clinical testing. Allele origin: germline.

Ambry Genetics
Classification: Uncertain significance for Inborn genetic diseases. Last evaluated: 2022-12-21. Review status: criteria provided, single submitter. Criteria: Ambry Variant Classification Scheme 2023. Collection method: clinical testing. Allele origin: germline.

NM_201384.3(PLEC):c.6376C>G (p.Gln2126Glu)

Gene: PLEC (plectin; minus strand). Cytogenetic location: 8q24.3.
Variant type: single nucleotide variant.
Coding change: c.6376C>G on transcript NM_201384.3 (MANE Select); coding-DNA position 6376, C replaced by G.
Protein change: p.Gln2126Glu; replaces glutamine 2126 with glutamic acid.
Molecular consequence: missense variant.
Genome position (GRCh38, 1-based): chr8:143,923,553, G>C on the plus strand (C>G on the coding strand, the complement: PLEC is on the minus strand). VCF-style: chr8-143923553-G-C. GRCh37 (hg19) VCF-style: chr8-144997721-G-C.
Other names: c.6457C>G, p.Gln2153Glu (NM_000445.5); c.6334C>G, p.Gln2112Glu (NM_201378.4); c.6310C>G, p.Gln2104Glu (NM_201379.3); c.6787C>G, p.Gln2263Glu (NM_201380.4); c.6280C>G, p.Gln2094Glu (NM_201381.3); c.6376C>G, p.Gln2126Glu (NM_201382.4); c.6388C>G, p.Gln2130Glu (NM_201383.3); c.6457C>G (NM_000445.3); short protein forms Q2112E, Q2126E, Q2130E, Q2094E, Q2263E, Q2104E, Q2153E.
Identifiers: ClinVar variation 934145 (VCV000934145.9), dbSNP rs782582930, ClinGen allele CA4926018.
Genomic context (GRCh38, chr8:143,923,553, plus strand): 5'-CCTCTTGCTCGGCCTCCTTGCGCAGCTTCTCTGCAGCCGCCTGTGCCTGAGCCCGGGCCT[G>C]TGCCTGCTCCTCTGCCGACTGCTTCAGCCGCTCGGCCTCTTCCACCTGCCGCCGGGACTG-3'
Protein context (NP_958786.1, residues 2116-2136): RLKQSAEEQA[Gln2126Glu]ARAQAQAAAE